The following is an entry in ClinVar:

NM_000264.5(PTCH1):c.1585A>T (p.Lys529Ter)

Gene: PTCH1 (patched 1; minus strand). Cytogenetic location: 9q22.32.
Variant type: single nucleotide variant.
Coding change: c.1585A>T on transcript NM_000264.5 (MANE Select); coding-DNA position 1585, A replaced by T.
Protein change: p.Lys529Ter; replaces lysine 529 with a stop codon.
Molecular consequence: nonsense. On other transcripts: non-coding transcript variant (1).
Genome position (GRCh38, 1-based): chr9:95,476,776, T>A on the plus strand (A>T on the coding strand, the complement: PTCH1 is on the minus strand). VCF-style: chr9-95476776-T-A. GRCh37 (hg19) VCF-style: chr9-98239058-T-A.
Other names: c.1387A>T, p.Lys463Ter (NM_001083602.3); c.1582A>T, p.Lys528Ter (NM_001083603.3); c.1132A>T, p.Lys378Ter (NM_001083604.3, NM_001083605.3, NM_001083606.3 and 1 more transcripts); c.1429A>T, p.Lys477Ter (NM_001354918.2); short protein forms K463*, K529*, K378*, K477*, K528*.
Identifiers: ClinVar variation 379879 (VCV000379879.2), dbSNP rs780434261, ClinGen allele CA16605773.

ClinVar aggregate classification (germline): Pathogenic (1 of 4 stars; one submission).

Submission:

GeneDx
Classification: Pathogenic. Last evaluated: 2016-01-29. Review status: criteria provided, single submitter. Criteria: GeneDx Variant Classification (06012015). Collection method: clinical testing. Allele origin: germline. Affected: yes.
Comment: The K529X nonsense variant in the PTCH1 gene has been reported previouslyin association with Gorlin syndrome (Huang et al., 2013; Hasenpusch-Theil et al., 1998). Thispathogenic variant is predicted to cause loss of normal protein function either through proteintruncation or nonsense-mediated mRNA decay. The variant was not observed in approximately6,500 individuals of European and African American ancestry in the NHLBI Exome SequencingProject, indicating it is not a common benign variant in these populations.